The following is an entry in ClinVar:

ClinVar aggregate classification (germline): Uncertain significance. Review status: criteria provided, single submitter (1 of 4 stars). 2 submissions from 2 submitters: Uncertain significance (1). 1 of the submissions does not count toward it. Last evaluated 2025-04-08.

Conditions:
Short-rib thoracic dysplasia 19 with or without polydactyly. Identifiers: MedGen C4693524, MONDO:0033485, OMIM 617895.

Submissions (2):

GeneDx
Classification: Uncertain significance. Last evaluated: 2025-04-08. Review status: criteria provided, single submitter. Criteria: GeneDx Variant Classification Process June 2021. Collection method: clinical testing. Allele origin: germline. Affected: yes.
Comment: Reported apparently homozygous in a proband with rod cone dystrophy and additional features including abnormality of higher mental function, azoospermia, hearing impairment, diabetes insipidus, hypothalamic hypothyroidism, joint rheumatism, osteopenia, and spinal osteoarthritis (PMID: 34448047); Nonsense variant predicted to result in protein truncation as the last 20 amino acids are lost; Not observed at significant frequency in large population cohorts (gnomAD); This variant is associated with the following publications: (PMID: 34448047)

Medical Genetics, Faculty of Medicine, Dokuz Eylül University
Classification: Uncertain significance for Short-rib thoracic dysplasia 19 with or without polydactyly. Last evaluated: 2025-06-03. Review status: no assertion criteria provided. Collection method: clinical testing. Allele origin: germline. Inheritance: Autosomal recessive inheritance. Affected: yes. Observed: 1 homozygote. Not counted in ClinVar's aggregate classification.
Comment: The IFT8, located at 12q24.11 and consisting of 19 exons, is associated with 'Short-rib thoracic dysplasia 19 with or without polydactyly' (SRTD19: MIM 617895). The c.1969C>T variant is located in exon 19, the final exon, and introduces a premature stop codon, truncating the protein by 20 amino acids. However, the protein is predicted to evade nonsense-mediated decay (NMD). The variant is present in the longest and most highly expressed transcript in the retina and is absent in population databases (PVS1_Moderate, PM2). The c.1969C>T has been identified in a patient with RP, mixed-type HL, and syndromic ciliopathy with skeletal abnormalities (PMID: 34448047). IFT81 gene-associated cases documented in the literature present a wide spectrum ranging from asphyxiating thoracic dysplasia resulting in death in the neonatal period to isolated retinal dystrophy (PMID: 34448047, PMID: 32783357, PMID: 26275418, PMID: 27666822, PMID: 28460050). However, further research is essential to confirm the diagnosis and establish the variant’s impact on the phenotype. Therefore, the variant has been classified as a variant of uncertain significance.

Literature cited by the submitters: PubMed 34448047 (cited by Medical Genetics, Faculty of Medicine, Dokuz Eylül University); PubMed 32783357 (cited by Medical Genetics, Faculty of Medicine, Dokuz Eylül University); PubMed 26275418 (cited by Medical Genetics, Faculty of Medicine, Dokuz Eylül University); PubMed 27666822 (cited by Medical Genetics, Faculty of Medicine, Dokuz Eylül University); PubMed 28460050 (cited by Medical Genetics, Faculty of Medicine, Dokuz Eylül University).

NM_014055.4(IFT81):c.1969C>T (p.Gln657Ter)

Gene: IFT81 (intraflagellar transport 81; plus strand). Cytogenetic location: 12q24.11.
Variant type: single nucleotide variant.
Coding change: c.1969C>T on transcript NM_014055.4 (MANE Select); coding-DNA position 1969, C replaced by T.
Protein change: p.Gln657Ter; replaces glutamine 657 with a stop codon.
Molecular consequence: nonsense. On other transcripts: non-coding transcript variant (4).
Genome position (GRCh38, 1-based): chr12:110,218,164, C>T. VCF-style: chr12-110218164-C-T. GRCh37 (hg19) VCF-style: chr12-110655969-C-T.
Other names: p.(Gln657Ter); c.1969C>T (NM_014055.3); c.1969C>T, p.Gln657Ter (NM_001143779.2); c.1039C>T, p.Gln347Ter (NM_001347947.2, NM_001347948.2); short protein forms Q347*, Q657*.
Identifiers: ClinVar variation 3901117 (VCV003901117.1).